The following is an entry in ClinVar:

ClinVar aggregate classification (germline): Benign/Likely benign. Review status: criteria provided, multiple submitters, no conflicts (2 of 4 stars). 3 submissions from 3 submitters: Benign (1); Likely benign (2). Last evaluated 2024-11-13.

Conditions:
Papillary renal cell carcinoma type 1 (RCCP1). Also called: RENAL CELL CARCINOMA, PAPILLARY, 1, SOMATIC; Renal adenocarcinoma; Renal cell carcinoma 1; Renal cell carcinoma, somatic. Identifiers: Orphanet 47044, MedGen C1336839, OMIM 605074, HP:0011797.
Renal cell carcinoma. Identifiers: Orphanet 217071, MedGen C0007134, MeSH D002292, MONDO:0005086, HP:0005584.
Hereditary cancer-predisposing syndrome. Also called: Tumor predisposition; Neoplastic Syndromes, Hereditary; Hereditary Cancer Syndrome; Hereditary neoplastic syndrome. Identifiers: Orphanet 140162, MedGen C0027672, MeSH D009386, MONDO:0015356.

Allele frequency attached by ClinVar (database versions not stated): gnomAD exomes below 0.00001.
gnomAD v4.1: 2 of 1,613,834 alleles (0.00012%); highest among the groups gnomAD compares: Non-Finnish European, 0.00017%; no homozygotes.

Submissions (3):

Myriad Genetics, Inc.
Classification: Benign for Papillary renal cell carcinoma type 1. Last evaluated: 2024-11-13. Review status: criteria provided, single submitter. Criteria: Myriad Autosomal Dominant, Autosomal Recessive and X-Linked Classification Criteria (2023). Collection method: clinical testing. Allele origin: unknown.
Comment: This variant is considered benign. This variant is a silent/synonymous amino acid change and it is not expected to impact splicing.

Labcorp Genetics (formerly Invitae), Labcorp
Classification: Likely benign for Renal cell carcinoma. Last evaluated: 2024-04-23. Review status: criteria provided, single submitter. Criteria: Invitae Variant Classification Sherloc (09022015). Collection method: clinical testing. Allele origin: germline.

Ambry Genetics
Classification: Likely benign for Hereditary cancer-predisposing syndrome. Last evaluated: 2023-01-12. Review status: criteria provided, single submitter. Criteria: Ambry Variant Classification Scheme 2023. Collection method: clinical testing. Allele origin: germline.

NM_000245.4(MET):c.3504C>T (p.Phe1168=)

Gene: MET (MET proto-oncogene, receptor tyrosine kinase; plus strand). Cytogenetic location: 7q31.2.
Variant type: single nucleotide variant.
Coding change: c.3504C>T on transcript NM_000245.4 (MANE Select); coding-DNA position 3504, C replaced by T.
Protein change: p.Phe1168=; no amino-acid change (phenylalanine 1168 retained).
Molecular consequence: synonymous variant.
Genome position (GRCh38, 1-based): chr7:116,778,939, C>T. VCF-style: chr7-116778939-C-T. GRCh37 (hg19) VCF-style: chr7-116418993-C-T.
Other names: c.3558C>T, p.Phe1186= (NM_001127500.3); c.2214C>T, p.Phe738= (NM_001324402.2); c.3558C>T (NM_001127500.1).
Identifiers: ClinVar variation 1108543 (VCV001108543.11), dbSNP rs2117048132, ClinGen allele CA457219137.